The following is an entry in ClinVar:

NM_138694.4(PKHD1):c.10219C>G (p.Gln3407Glu)

Gene: PKHD1 (PKHD1 ciliary IPT domain containing fibrocystin/polyductin; minus strand). Cytogenetic location: 6p12.3.
Variant type: single nucleotide variant.
Coding change: c.10219C>G on transcript NM_138694.4 (MANE Select); coding-DNA position 10219, C replaced by G.
Protein change: p.Gln3407Glu; replaces glutamine 3407 with glutamic acid.
Molecular consequence: missense variant.
Genome position (GRCh38, 1-based): chr6:51,659,907, G>C on the plus strand (C>G on the coding strand, the complement: PKHD1 is on the minus strand). VCF-style: chr6-51659907-G-C. GRCh37 (hg19) VCF-style: chr6-51524705-G-C.
Other names: short protein forms Q3407E.
Identifiers: ClinVar variation 1511765 (VCV001511765.8), dbSNP rs781368899, ClinGen allele CA364437241.
Genomic context (GRCh38, chr6:51,659,907, plus strand): 5'-ACTTCTGAATTGCCCAAATGGCATCAGCGCTATCAAGAATTAGGACCACTTGGTCAGTCT[G>C]TTTGCAGATGAATCCTTGCATCAGAAATTGGTATGTACATTTCTGTTCTTCTCTAAATGT-3'
Protein context (NP_619639.3, residues 3397-3417): QFLMQGFICK[Gln3407Glu]TDQVVLILDS

ClinVar aggregate classification (germline): Uncertain significance (1 of 4 stars; one submission).

Conditions:
Autosomal recessive polycystic kidney disease (ARPKD). Also called: AR polycystic kidney disease. Identifiers: Orphanet 731, Orphanet 8378, MedGen C0085548, MeSH D017044, MONDO:0009889.

Submission:

Labcorp Genetics (formerly Invitae), Labcorp
Classification: Uncertain significance for Autosomal recessive polycystic kidney disease. Last evaluated: 2025-06-12. Review status: criteria provided, single submitter. Criteria: Invitae Variant Classification Sherloc (09022015). Collection method: clinical testing. Allele origin: germline.
Comment: This sequence change replaces glutamine, which is neutral and polar, with glutamic acid, which is acidic and polar, at codon 3407 of the PKHD1 protein (p.Gln3407Glu). This variant is not present in population databases (gnomAD no frequency). This variant has not been reported in the literature in individuals affected with PKHD1-related conditions. ClinVar contains an entry for this variant (Variation ID: 1511765). Invitae Evidence Modeling of protein sequence and biophysical properties (such as structural, functional, and spatial information, amino acid conservation, physicochemical variation, residue mobility, and thermodynamic stability) indicates that this missense variant is not expected to disrupt PKHD1 protein function with a negative predictive value of 95%. In summary, the available evidence is currently insufficient to determine the role of this variant in disease. Therefore, it has been classified as a Variant of Uncertain Significance.